The following is an entry in ClinVar:

NM_003859.3(DPM1):c.303A>G (p.Ala101=)

Gene: DPM1 (dolichyl-phosphate mannosyltransferase subunit 1, catalytic; minus strand). Cytogenetic location: 20q13.13.
Variant type: single nucleotide variant.
Coding change: c.303A>G on transcript NM_003859.3 (MANE Select); coding-DNA position 303, A replaced by G.
Protein change: p.Ala101=; no amino-acid change (alanine 101 retained).
Molecular consequence: synonymous variant. On other transcripts: non-coding transcript variant (1).
Genome position (GRCh38, 1-based): chr20:50,945,916, T>C on the plus strand (A>G on the coding strand, the complement: DPM1 is on the minus strand). VCF-style: chr20-50945916-T-C. GRCh37 (hg19) VCF-style: chr20-49562453-T-C.
Other names: c.303A>G, p.Ala101= (NM_001317034.1, NM_001317035.1, NM_001317036.1); c.303A>G (NM_003859.2).
Identifiers: ClinVar variation 389116 (VCV000389116.10), dbSNP rs139211110, ClinGen allele CA9909142.
Genomic context (GRCh38, chr20:50,945,916, plus strand): 5'-GAGATCAGCATCCATAATAATGATGTAGTTTCCTGTGGCATGTTTCATTCCATGAATATA[T>C]GCAGTTCCTAAAAATGAAAGTAGATCCATTCAAGAAAATCAACAGAAATCTTTACATATA-3'
Protein context (NP_003850.1, residues 91-111): PREKKLGLGT[Ala101=]YIHGMKHATG

ClinVar aggregate classification (germline): Likely benign. Review status: criteria provided, multiple submitters, no conflicts (2 of 4 stars). 3 submissions from 3 submitters: Likely benign (3). Last evaluated 2026-05-17.

Conditions:
DPM1-related disorder. Also called: DPM1-related condition.
Congenital disorder of glycosylation type 1E (CDG1E). Also called: CONGENITAL DISORDER OF GLYCOSYLATION, TYPE Ie; CDG Ie. Identifiers: Orphanet 79322, MedGen C1837396, MONDO:0012123, OMIM 608799.

Allele frequency attached by ClinVar (database versions not stated): TOPMed 0.00027; 1000 Genomes Project 30x 0.00031; 1000 Genomes Project 0.00040; ESP Exome Variant Server 0.00062.
gnomAD v4.1: 60 of 1,612,996 alleles (0.0037%); highest among the groups gnomAD compares: African/African-American, 0.071%; no homozygotes.

Submissions (3):

PreventionGenetics, part of Exact Sciences
Classification: Likely benign for DPM1-related condition. Last evaluated: 2026-05-17. Review status: criteria provided, single submitter. Criteria: ACMG Guidelines, 2015. Collection method: clinical testing. Allele origin: germline.
Comment: This variant is classified as likely benign based on ACMG/AMP sequence variant interpretation guidelines (Richards et al. 2015 PMID: 25741868, with internal and published modifications).

Labcorp Genetics (formerly Invitae), Labcorp
Classification: Likely benign for Congenital disorder of glycosylation type 1E. Last evaluated: 2026-01-28. Review status: criteria provided, single submitter. Criteria: Invitae Variant Classification Sherloc (09022015). Collection method: clinical testing. Allele origin: germline.

GeneDx
Classification: Likely benign. Last evaluated: 2016-09-23. Review status: criteria provided, single submitter. Criteria: GeneDx Variant Classification (06012015). Collection method: clinical testing. Allele origin: germline. Affected: yes.
Comment: This variant is considered likely benign or benign based on one or more of the following criteria: it is a conservative change, it occurs at a poorly conserved position in the protein, it is predicted to be benign by multiple in silico algorithms, and/or has population frequency not consistent with disease.